The following is an entry in ClinVar:

NM_201384.3(PLEC):c.13346C>T (p.Ala4449Val)

Gene: PLEC (plectin; minus strand). Cytogenetic location: 8q24.3.
Variant type: single nucleotide variant.
Coding change: c.13346C>T on transcript NM_201384.3 (MANE Select); coding-DNA position 13346, C replaced by T.
Protein change: p.Ala4449Val; replaces alanine 4449 with valine.
Molecular consequence: missense variant.
Genome position (GRCh38, 1-based): chr8:143,916,475, G>A on the plus strand (C>T on the coding strand, the complement: PLEC is on the minus strand). VCF-style: chr8-143916475-G-A. GRCh37 (hg19) VCF-style: chr8-144990643-G-A.
Other names: c.13427C>T (NM_000445.3); c.13427C>T, p.Ala4476Val (NM_000445.5); c.13304C>T, p.Ala4435Val (NM_201378.4); c.13280C>T, p.Ala4427Val (NM_201379.3); c.13757C>T, p.Ala4586Val (NM_201380.4); c.13250C>T, p.Ala4417Val (NM_201381.3); c.13346C>T, p.Ala4449Val (NM_201382.4); c.13358C>T, p.Ala4453Val (NM_201383.3); short protein forms A4449V, A4435V, A4417V, A4453V, A4476V, A4427V, A4586V.
Identifiers: ClinVar variation 655075 (VCV000655075.12), dbSNP rs782720210, ClinGen allele CA4923835.
Genomic context (GRCh38, chr8:143,916,475, plus strand): 5'-TGCGCGGCAGCCTCCAGCAGCCGCAGCCCCGTGCCCTCCTCCACCATGCTGCGGTCCAGC[G>A]CGTCCTTATAGGAGATCTTGAGCTTGGTCTTAGGGCAGGTGAGGTACTTGGAGTAGGCGC-3'
Protein context (NP_958786.1, residues 4439-4459): KTKLKISYKD[Ala4449Val]LDRSMVEEGT

ClinVar aggregate classification (germline): Uncertain significance. Review status: criteria provided, multiple submitters, no conflicts (2 of 4 stars). 3 submissions from 3 submitters: Uncertain significance (3). Last evaluated 2024-11-10.

Conditions:
Autosomal recessive limb-girdle muscular dystrophy type 2Q (LGMDR17). Also called: MUSCULAR DYSTROPHY, LIMB-GIRDLE, AUTOSOMAL RECESSIVE 17. Identifiers: Orphanet 254361, MedGen C3150989, MONDO:0013390, OMIM 613723.
Epidermolysis bullosa simplex 5B, with muscular dystrophy (EBS5B). Also called: EPIDERMOLYSIS BULLOSA SIMPLEX AND LIMB-GIRDLE MUSCULAR DYSTROPHY; Epidermolysis bullosa simplex with muscular dystrophy. Identifiers: Orphanet 257, MedGen C2931072, MONDO:0009181, OMIM 226670.
Epidermolysis bullosa simplex 5C, with pyloric atresia (EBS5C). Also called: PLEC-Related Epidermolysis Bullosa with Pyloric Atresia; Epidermolysis bullosa simplex with pyloric atresia; PLEC1-Related Epidermolysis Bullosa with Pyloric Atresia. Identifiers: Orphanet 158684, MedGen C2677349, MONDO:0012807, OMIM 612138.
Epidermolysis bullosa simplex with nail dystrophy (EBS5D). Identifiers: MedGen C4225309, MONDO:0014661, OMIM 616487.
Epidermolysis bullosa simplex, Ogna type (EBS5A). Also called: Pidermolysis bullosa simplex 5A, Ogna type; EPIDERMOLYSIS BULLOSA SIMPLEX 5A, OGNA TYPE. Identifiers: Orphanet 79401, MedGen C0432317, MONDO:0007555, OMIM 131950.
Inborn genetic diseases. Identifiers: MedGen C0950123, MeSH D030342.

Allele frequency attached by ClinVar (database versions not stated): ExAC 0.00002; gnomAD exomes 0.00002; gnomAD 0.00003 and 0.00004; TOPMed 0.00005.
gnomAD v4.1: 38 of 1,611,836 alleles (0.0024%); highest among the groups gnomAD compares: Middle Eastern, 0.016%; no homozygotes.

Submissions (3):

Ambry Genetics
Classification: Uncertain significance for Inborn genetic diseases. Last evaluated: 2024-11-10. Review status: criteria provided, single submitter. Criteria: Ambry Variant Classification Scheme 2023. Collection method: clinical testing. Allele origin: germline.

Blueprint Genetics
Classification: Uncertain significance. Last evaluated: 2024-02-01. Review status: criteria provided, single submitter. Criteria: ACMG Guidelines, 2015. Collection method: clinical testing. Allele origin: germline.

Labcorp Genetics (formerly Invitae), Labcorp
Classification: Uncertain significance for Autosomal recessive limb-girdle muscular dystrophy type 2Q; Epidermolysis bullosa simplex, Ogna type; Epidermolysis bullosa simplex with nail dystrophy; Epidermolysis bullosa simplex 5C, with pyloric atresia; Epidermolysis bullosa simplex 5B, with muscular dystrophy. Last evaluated: 2023-12-19. Review status: criteria provided, single submitter. Criteria: Invitae Variant Classification Sherloc (09022015). Collection method: clinical testing. Allele origin: germline.
Comment: This sequence change replaces alanine, which is neutral and non-polar, with valine, which is neutral and non-polar, at codon 4476 of the PLEC protein (p.Ala4476Val). This variant is present in population databases (rs782720210, gnomAD 0.007%). This variant has not been reported in the literature in individuals affected with PLEC-related conditions. ClinVar contains an entry for this variant (Variation ID: 655075). Advanced modeling of protein sequence and biophysical properties (such as structural, functional, and spatial information, amino acid conservation, physicochemical variation, residue mobility, and thermodynamic stability) performed at Invitae indicates that this missense variant is expected to disrupt PLEC protein function with a positive predictive value of 80%. In summary, the available evidence is currently insufficient to determine the role of this variant in disease. Therefore, it has been classified as a Variant of Uncertain Significance.